The following is an entry in ClinVar:

ClinVar aggregate classification (germline): Uncertain significance (1 of 4 stars; one submission).

Allele frequency attached by ClinVar (database versions not stated): gnomAD exomes 0.00001; ExAC 0.00003.
gnomAD v4.1: 4 of 1,551,588 alleles (0.00026%); no homozygotes.

Submission:

GeneDx
Classification: Uncertain significance. Last evaluated: 2022-06-08. Review status: criteria provided, single submitter. Criteria: GeneDx Variant Classification Process June 2021. Collection method: clinical testing. Allele origin: germline. Affected: yes.
Comment: In silico analysis supports that this missense variant does not alter protein structure/function; Has not been previously published as pathogenic or benign to our knowledge

NM_002742.3(PRKD1):c.208G>C (p.Gly70Arg)

Gene: PRKD1 (protein kinase D1; minus strand). Cytogenetic location: 14q12.
Variant type: single nucleotide variant.
Coding change: c.208G>C on transcript NM_002742.3 (MANE Select); coding-DNA position 208, G replaced by C.
Protein change: p.Gly70Arg; replaces glycine 70 with arginine.
Molecular consequence: missense variant.
Genome position (GRCh38, 1-based): chr14:29,927,305, C>G on the plus strand (G>C on the coding strand, the complement: PRKD1 is on the minus strand). VCF-style: chr14-29927305-C-G. GRCh37 (hg19) VCF-style: chr14-30396511-C-G.
Other names: c.208G>C, p.Gly70Arg (NM_001330069.2); short protein forms G70R.
Identifiers: ClinVar variation 1803308 (VCV001803308.1), dbSNP rs751340826, ClinGen allele CA7141557.